The following is an entry in ClinVar:

ClinVar aggregate classification (germline): Likely benign (1 of 4 stars; one submission).

gnomAD v4.1: 317 of 152,186 alleles (0.21%); highest among the groups gnomAD compares: Middle Eastern, 1.4%; no homozygotes.

Submission:

CeGaT Center for Human Genetics Tuebingen
Classification: Likely benign. Last evaluated: 2026-06-01. Review status: criteria provided, single submitter. Criteria: CeGaT Center For Human Genetics Tuebingen Variant Classification Criteria Version 2. Collection method: clinical testing. Allele origin: germline. Affected: yes. Observed: 2 variant alleles.
Comment: BARD1: BS1

NM_000465.4(BARD1):c.1904-5420A>G

Gene: BARD1 (BRCA1 associated RING domain 1; minus strand). Cytogenetic location: 2q35.
Variant type: single nucleotide variant.
Coding change: c.1904-5420A>G on transcript NM_000465.4 (MANE Select); 5420 bases into the intron before coding-DNA position 1904, A replaced by G.
Molecular consequence: intron variant.
Genome position (GRCh38, 1-based): chr2:214,735,928, T>C on the plus strand (A>G on the coding strand, the complement: BARD1 is on the minus strand). VCF-style: chr2-214735928-T-C. GRCh37 (hg19) VCF-style: chr2-215600652-T-C.
Other names: c.494-5420A>G (NM_001282548.2); c.1847-5420A>G (NM_001282543.2); c.551-5420A>G (NM_001282545.2); c.365-5420A>G (NM_001282549.2).
Identifiers: ClinVar variation 4822637 (VCV004822637.4).